The following is an entry in ClinVar:

ClinVar aggregate classification (germline): Conflicting classifications of pathogenicity. Review status: criteria provided, conflicting classifications (1 of 4 stars). 3 submissions from 3 submitters: Uncertain significance (2); Likely benign (1). Last evaluated 2026-09-11.

Conditions:
Hereditary cancer-predisposing syndrome. Also called: Hereditary Cancer Syndrome; Tumor predisposition; Hereditary neoplastic syndrome; Neoplastic Syndromes, Hereditary. Identifiers: Orphanet 140162, MedGen C0027672, MeSH D009386, MONDO:0015356.
Peutz-Jeghers syndrome (PJS). Also called: Peutz-Jeghers polyposis; Periorificial lentiginosis syndrome; POLYPOSIS, HAMARTOMATOUS INTESTINAL; POLYPS-AND-SPOTS SYNDROME. Identifiers: Orphanet 2869, MedGen C0031269, MeSH D010580, MONDO:0008280, OMIM 175200.

Submissions (3):

Ambry Genetics
Classification: Likely benign for Hereditary cancer-predisposing syndrome. Last evaluated: 2026-09-11. Review status: criteria provided, single submitter. Criteria: Ambry Variant Classification Scheme 2023. Collection method: clinical testing. Allele origin: germline.

Labcorp Genetics (formerly Invitae), Labcorp
Classification: Uncertain significance for Peutz-Jeghers syndrome. Last evaluated: 2022-03-27. Review status: criteria provided, single submitter. Criteria: Invitae Variant Classification Sherloc (09022015). Collection method: clinical testing. Allele origin: germline.
Comment: In summary, the available evidence is currently insufficient to determine the role of this variant in disease. Therefore, it has been classified as a Variant of Uncertain Significance. Advanced modeling of protein sequence and biophysical properties (such as structural, functional, and spatial information, amino acid conservation, physicochemical variation, residue mobility, and thermodynamic stability) performed at Invitae indicates that this missense variant is not expected to disrupt STK11 protein function. ClinVar contains an entry for this variant (Variation ID: 527819). This variant has not been reported in the literature in individuals affected with STK11-related conditions. This variant is not present in population databases (gnomAD no frequency). This sequence change replaces arginine, which is basic and polar, with glycine, which is neutral and non-polar, at codon 383 of the STK11 protein (p.Arg383Gly).

Genome-Nilou Lab
Classification: Uncertain significance for Peutz-Jeghers syndrome. Last evaluated: 2021-07-15. Review status: criteria provided, single submitter. Criteria: ACMG Guidelines, 2015. Collection method: clinical testing. Allele origin: germline. Affected: no.

NM_000455.5(STK11):c.1147C>G (p.Arg383Gly)

Gene: STK11 (serine/threonine kinase 11; plus strand). Cytogenetic location: 19p13.3.
Variant type: single nucleotide variant.
Coding change: c.1147C>G on transcript NM_000455.5 (MANE Select); coding-DNA position 1147, C replaced by G.
Protein change: p.Arg383Gly; replaces arginine 383 with glycine.
Molecular consequence: missense variant.
Genome position (GRCh38, 1-based): chr19:1,226,492, C>G. VCF-style: chr19-1226492-C-G. GRCh37 (hg19) VCF-style: chr19-1226491-C-G.
Other names: short protein forms R383G.
Identifiers: ClinVar variation 527819 (VCV000527819.16), dbSNP rs535449626, ClinGen allele CA402953367.